The following is an entry in ClinVar:

ClinVar aggregate classification (germline): Uncertain significance. Review status: criteria provided, multiple submitters, no conflicts (2 of 4 stars). 3 submissions from 3 submitters: Uncertain significance (2). 1 of the submissions does not count toward it. Last evaluated 2022-08-08.

Conditions:
Leukoencephalopathy, progressive, with ovarian failure (LKENP). Identifiers: Orphanet 99853, MedGen C4014588, MONDO:0014387, OMIM 615889.

Allele frequency attached by ClinVar (database versions not stated): gnomAD 0.00005 and 0.00004; 1000 Genomes Project 30x 0.00016; 1000 Genomes Project 0.00020; gnomAD exomes 0.00002 and 0.00004; TOPMed 0.00004; ExAC 0.00005.

Submissions (3):

Blueprint Genetics
Classification: Uncertain significance. Last evaluated: 2022-08-08. Review status: criteria provided, single submitter. Criteria: ACMG Guidelines, 2015. Collection method: clinical testing. Allele origin: germline.

GeneDx
Classification: Uncertain significance. Last evaluated: 2019-08-09. Review status: criteria provided, single submitter. Criteria: GeneDx Variant Classification Process June 2021. Collection method: clinical testing. Allele origin: germline. Affected: yes.
Comment: This variant is associated with the following publications: (PMID: 25705216, 24808023, 30706699, 27159321)

OMIM
Classification: Pathogenic for LEUKOENCEPHALOPATHY, PROGRESSIVE, WITH OVARIAN FAILURE. Last evaluated: 2014-06-10. Review status: no assertion criteria provided. Collection method: literature only. Allele origin: germline. Not counted in ClinVar's aggregate classification.

Literature cited by the submitters: PubMed 24808023 (cited by OMIM).

NM_020745.4(AARS2):c.2893G>A (p.Gly965Arg)

Gene: AARS2 (alanyl-tRNA synthetase 2, mitochondrial; minus strand). Cytogenetic location: 6p21.1.
Variant type: single nucleotide variant.
Coding change: c.2893G>A on transcript NM_020745.4 (MANE Select); coding-DNA position 2893, G replaced by A.
Protein change: p.Gly965Arg; replaces glycine 965 with arginine.
Molecular consequence: missense variant.
Genome position (GRCh38, 1-based): chr6:44,300,612, C>T on the plus strand (G>A on the coding strand, the complement: AARS2 is on the minus strand). VCF-style: chr6-44300612-C-T. GRCh37 (hg19) VCF-style: chr6-44268349-C-T.
Other names: short protein forms G965R.
Identifiers: ClinVar variation 143047 (VCV000143047.4), dbSNP rs543267101, ClinGen allele CA170066.